The following is an entry in ClinVar:

NM_000719.7(CACNA1C):c.4498A>G (p.Ile1500Val)

Gene: CACNA1C (calcium voltage-gated channel subunit alpha1 C; plus strand). Cytogenetic location: 12p13.33.
Variant type: single nucleotide variant.
Coding change: c.4498A>G on transcript NM_000719.7 (MANE Select); coding-DNA position 4498, A replaced by G.
Protein change: p.Ile1500Val; replaces isoleucine 1500 with valine.
Molecular consequence: missense variant.
Genome position (GRCh38, 1-based): chr12:2,665,680, A>G. VCF-style: chr12-2665680-A-G. GRCh37 (hg19) VCF-style: chr12-2774846-A-G.
Other names: c.4498A>G, p.Ile1500Val (NM_001129840.2, NM_001129841.2, NM_001129842.2 and 7 more transcripts); c.4489A>G, p.Ile1497Val (NM_001129844.2); c.4465A>G, p.Ile1489Val (NM_001129846.2, NM_001167625.2, NM_001129837.2 and 1 more transcripts); c.4642A>G, p.Ile1548Val (NM_199460.4, NM_001129827.2); c.4564A>G, p.Ile1522Val (NM_001129829.2); c.4582A>G, p.Ile1528Val (NM_001129831.2); c.4558A>G, p.Ile1520Val (NM_001129832.2); c.4549A>G, p.Ile1517Val (NM_001129836.2); and 1 more; short protein forms I1497V, I1500V, I1520V, I1487V, I1548V, I1517V, I1489V, I1522V.
Identifiers: ClinVar variation 5005085 (VCV005005085.2).

ClinVar aggregate classification (germline): Uncertain significance (1 of 4 stars; one submission).

Conditions:
Neurodevelopmental disorder with hypotonia, language delay, and skeletal defects with or without seizures (NEDHLSS). Identifiers: MedGen C5774213, MONDO:0859286, OMIM 620029.
Long QT syndrome 8. Identifiers: MedGen CN260585, MONDO:0032756, OMIM 618447.
Brugada syndrome 3 (BRGDA3). Identifiers: Orphanet 130, MedGen C2678478, MONDO:0012742, OMIM 611875.
Timothy syndrome (TS). Also called: LONG QT SYNDROME WITH SYNDACTYLY. Identifiers: Orphanet 65283, MedGen C1832916, MeSH C536962, MONDO:0010979, OMIM 601005.

Submission:

Juno Genomics, Hangzhou Juno Genomics, Inc
Classification: Uncertain significance for Neurodevelopmental disorder with hypotonia, language delay, and skeletal defects with or without seizures; Brugada syndrome 3; Long QT syndrome 8; Timothy syndrome. Review status: criteria provided, single submitter. Criteria: ACMG Guidelines, 2015. Collection method: clinical testing. Allele origin: germline.
Comment: Absent from controls (or at extremely low frequency if recessive) in Genome Aggregation Database.;Missense variant in a gene that has a low rate of benign missense variation.